The following is an entry in ClinVar:

ClinVar aggregate classification (germline): Pathogenic (1 of 4 stars; one submission).

Conditions:
Polycystic kidney disease, adult type (PKD1). Also called: Polycystic Kidney, Autosomal Dominant; POLYCYSTIC KIDNEY DISEASE, ADULT, TYPE I; Polycystic Kidney Disease 1, Autosomal Dominant; Polycystic kidney disease 1; Polycystic kidney disease 1, severe; POLYCYSTIC KIDNEY DISEASE 1 WITH OR WITHOUT POLYCYSTIC LIVER DISEASE. Identifiers: MedGen C3149841, MONDO:0008263, OMIM 173900.

Submission:

MVZ Medizinische Genetik Mainz
Classification: Pathogenic for Polycystic kidney disease, adult type. Last evaluated: 2026-08-28. Review status: criteria provided, single submitter. Criteria: UK Practice Guidelines For Variant Classification V4 01 2020. Collection method: clinical testing. Allele origin: germline. Inheritance: Autosomal dominant inheritance. Affected: yes. Observed: 1 variant allele.
Comment: ACMG Criteria: PVS1,PM2_SUP,PP4

NM_001009944.3(PKD1):c.11391T>G (p.Tyr3797Ter)

Genes: PKD1 (polycystin 1, transient receptor potential channel interacting; minus strand), PKD1-AS1 (PKD1 antisense RNA 1; plus strand). Cytogenetic location: 16p13.3.
Variant type: single nucleotide variant.
Coding change: c.11391T>G on transcript NM_001009944.3 (MANE Select); coding-DNA position 11391, T replaced by G.
Protein change: p.Tyr3797Ter; replaces tyrosine 3797 with a stop codon.
Molecular consequence: nonsense.
Genome position (GRCh38, 1-based): chr16:2,092,067, A>C on the plus strand (T>G on the coding strand, the complement: PKD1 is on the minus strand). VCF-style: chr16-2092067-A-C. GRCh37 (hg19) VCF-style: chr16-2142068-A-C.
Other names: c.11388T>G, p.Tyr3796Ter (NM_000296.4); short protein forms Y3797*, Y3796*.
Identifiers: ClinVar variation 5010169 (VCV005010169.1).